The following is an entry in ClinVar:

NM_003906.5(MCM3AP):c.1148C>T (p.Ser383Phe)

Gene: MCM3AP (minichromosome maintenance complex component 3 associated protein; minus strand). Cytogenetic location: 21q22.3.
Variant type: single nucleotide variant.
Coding change: c.1148C>T on transcript NM_003906.5 (MANE Select); coding-DNA position 1148, C replaced by T.
Protein change: p.Ser383Phe; replaces serine 383 with phenylalanine.
Molecular consequence: missense variant.
Genome position (GRCh38, 1-based): chr21:46,284,139, G>A on the plus strand (C>T on the coding strand, the complement: MCM3AP is on the minus strand). VCF-style: chr21-46284139-G-A. GRCh37 (hg19) VCF-style: chr21-47704053-G-A.
Other names: c.1148C>T (NM_003906.3); short protein forms S383F.
Identifiers: ClinVar variation 1523295 (VCV001523295.4), dbSNP rs142544536, ClinGen allele CA10077183.

ClinVar aggregate classification (germline): Uncertain significance. Review status: criteria provided, multiple submitters, no conflicts (2 of 4 stars). 2 submissions from 2 submitters: Uncertain significance (2). Last evaluated 2025-08-29.

Conditions:
Inborn genetic diseases. Identifiers: MedGen C0950123, MeSH D030342.

Allele frequency attached by ClinVar (database versions not stated): gnomAD exomes 0.00002 and 0.00006; ExAC 0.00006; TOPMed 0.00014; ESP Exome Variant Server 0.00015; 1000 Genomes Project 30x 0.00047; 1000 Genomes Project 0.00060.
gnomAD v4.1: 69 of 1,614,228 alleles (0.0043%); highest among the groups gnomAD compares: African/African-American, 0.06%; no homozygotes.

Submissions (2):

Ambry Genetics
Classification: Uncertain significance for Inborn genetic diseases. Last evaluated: 2025-08-29. Review status: criteria provided, single submitter. Criteria: Ambry Variant Classification Scheme 2023. Collection method: clinical testing. Allele origin: germline.

Labcorp Genetics (formerly Invitae), Labcorp
Classification: Uncertain significance. Last evaluated: 2022-10-03. Review status: criteria provided, single submitter. Criteria: Invitae Variant Classification Sherloc (09022015). Collection method: clinical testing. Allele origin: germline.
Comment: This sequence change replaces serine, which is neutral and polar, with phenylalanine, which is neutral and non-polar, at codon 383 of the MCM3AP protein (p.Ser383Phe). This variant is present in population databases (rs142544536, gnomAD 0.07%). This variant has not been reported in the literature in individuals affected with MCM3AP-related conditions. ClinVar contains an entry for this variant (Variation ID: 1523295). Algorithms developed to predict the effect of missense changes on protein structure and function are either unavailable or do not agree on the potential impact of this missense change (SIFT: "Deleterious"; PolyPhen-2: "Possibly Damaging"; Align-GVGD: "Class C0"). In summary, the available evidence is currently insufficient to determine the role of this variant in disease. Therefore, it has been classified as a Variant of Uncertain Significance.